The following is an entry in ClinVar:

ClinVar aggregate classification (germline): Likely benign. Review status: criteria provided, multiple submitters, no conflicts (2 of 4 stars). 2 submissions from 2 submitters: Likely benign (2). Last evaluated 2026-03-01.

Allele frequency attached by ClinVar (database versions not stated): gnomAD exomes 0.00003 and 0.00010; gnomAD 0.00007 and 0.00008; TOPMed 0.00007.
gnomAD v4.1: 167 of 1,613,766 alleles (0.01%); highest among the groups gnomAD compares: Non-Finnish European, 0.013%; no homozygotes.

Submissions (2):

CeGaT Center for Human Genetics Tuebingen
Classification: Likely benign. Last evaluated: 2026-03-01. Review status: criteria provided, single submitter. Criteria: CeGaT Center For Human Genetics Tuebingen Variant Classification Criteria Version 2. Collection method: clinical testing. Allele origin: germline. Affected: yes. Observed: 1 variant allele.
Comment: TAF2: BP4, BP7

Labcorp Genetics (formerly Invitae), Labcorp
Classification: Likely benign. Last evaluated: 2019-01-10. Review status: criteria provided, single submitter. Criteria: Invitae Variant Classification Sherloc (09022015). Collection method: clinical testing. Allele origin: germline.

NM_003184.4(TAF2):c.402A>G (p.Leu134=)

Gene: TAF2 (TATA-box binding protein associated factor 2; minus strand). Cytogenetic location: 8q24.12.
Variant type: single nucleotide variant.
Coding change: c.402A>G on transcript NM_003184.4 (MANE Select); coding-DNA position 402, A replaced by G.
Protein change: p.Leu134=; no amino-acid change (leucine 134 retained).
Molecular consequence: synonymous variant.
Genome position (GRCh38, 1-based): chr8:119,806,299, T>C on the plus strand (A>G on the coding strand, the complement: TAF2 is on the minus strand). VCF-style: chr8-119806299-T-C. GRCh37 (hg19) VCF-style: chr8-120818539-T-C.
Identifiers: ClinVar variation 735919 (VCV000735919.7), dbSNP rs1013781373, ClinGen allele CA184349839.